The following is an entry in ClinVar:

NM_001128840.3(CACNA1D):c.596T>C (p.Leu199Ser)

Gene: CACNA1D (calcium voltage-gated channel subunit alpha1 D; plus strand). Cytogenetic location: 3p21.1.
Variant type: single nucleotide variant.
Coding change: c.596T>C on transcript NM_001128840.3 (MANE Select); coding-DNA position 596, T replaced by C.
Protein change: p.Leu199Ser; replaces leucine 199 with serine.
Molecular consequence: missense variant.
Genome position (GRCh38, 1-based): chr3:53,650,891, T>C. VCF-style: chr3-53650891-T-C. GRCh37 (hg19) VCF-style: chr3-53684918-T-C.
Other names: c.596T>C, p.Leu199Ser (NM_000720.4, NM_001128839.3); short protein forms L199S.
Identifiers: ClinVar variation 4777539 (VCV004777539.1).
Genomic context (GRCh38, chr3:53,650,891, plus strand): 5'-AGATTATAGCGTATGGATTATTGCTACATCCTAATGCTTATGTTAGGAATGGATGGAATT[T>C]ACTGGATTTTGTTATAGTAATAGTAGGGTAAGTCTCTTTTACTTTGGGGAAATGTTGATT-3'
Protein context (NP_001122312.1, residues 189-209): PNAYVRNGWN[Leu199Ser]LDFVIVIVGL

ClinVar aggregate classification (germline): Uncertain significance (1 of 4 stars; one submission).

Submission:

Labcorp Genetics (formerly Invitae), Labcorp
Classification: Uncertain significance. Last evaluated: 2025-11-21. Review status: criteria provided, single submitter. Criteria: Invitae Variant Classification Sherloc (09022015). Collection method: clinical testing. Allele origin: germline.
Comment: This sequence change replaces leucine, which is neutral and non-polar, with serine, which is neutral and polar, at codon 199 of the CACNA1D protein (p.Leu199Ser). This variant is not present in population databases (gnomAD no frequency). This variant has not been reported in the literature in individuals affected with CACNA1D-related conditions. Invitae Evidence Modeling of protein sequence and biophysical properties (such as structural, functional, and spatial information, amino acid conservation, physicochemical variation, residue mobility, and thermodynamic stability) indicates that this missense variant is not expected to disrupt CACNA1D protein function with a negative predictive value of 80%. In summary, the available evidence is currently insufficient to determine the role of this variant in disease. Therefore, it has been classified as a Variant of Uncertain Significance.